The following is an entry in ClinVar:

NM_001122630.2(CDKN1C):c.129C>A (p.Asn43Lys)

Gene: CDKN1C (cyclin dependent kinase inhibitor 1C; minus strand). Cytogenetic location: 11p15.4.
Variant type: single nucleotide variant.
Coding change: c.129C>A on transcript NM_001122630.2 (MANE Select); coding-DNA position 129, C replaced by A.
Protein change: p.Asn43Lys; replaces asparagine 43 with lysine.
Molecular consequence: missense variant.
Genome position (GRCh38, 1-based): chr11:2,885,328, G>T on the plus strand (C>A on the coding strand, the complement: CDKN1C is on the minus strand). VCF-style: chr11-2885328-G-T. GRCh37 (hg19) VCF-style: chr11-2906558-G-T.
Other names: c.162C>A, p.Asn54Lys (NM_000076.2, NM_001362474.2); c.129C>A, p.Asn43Lys (NM_001122631.2, NM_001362475.2); short protein forms N43K, N54K.
Identifiers: ClinVar variation 1718422 (VCV001718422.5), dbSNP rs1230367035, ClinGen allele CA379147558.
Genomic context (GRCh38, chr11:2,885,328, plus strand): 5'-AGGGCCCCGCAGCGGCATGTCCTGCTGGAAGTCGTAATCCCAGCGGTTCTGGTCCTCGGC[G>T]TTCAGCTCGGCCAGGCGGGCCTGCAGCTCGCGGCTCAGCTCCTCGTGGTCCACCGGCCCG-3'
Protein context (NP_001116102.1, residues 33-53): RELQARLAEL[Asn43Lys]AEDQNRWDYD

ClinVar aggregate classification (germline): Uncertain significance (1 of 4 stars; one submission).

Conditions:
Beckwith-Wiedemann syndrome (BWS). Also called: Exomphalos macroglossia gigantism syndrome; EMG SYNDROME. Identifiers: Orphanet 116, MedGen C0004903, MONDO:0007534, OMIM 130650.

Submission:

Labcorp Genetics (formerly Invitae), Labcorp
Classification: Uncertain significance for Beckwith-Wiedemann syndrome. Last evaluated: 2022-08-31. Review status: criteria provided, single submitter. Criteria: Invitae Variant Classification Sherloc (09022015). Collection method: clinical testing. Allele origin: germline.
Comment: This variant has not been reported in the literature in individuals affected with CDKN1C-related conditions. This variant is not present in population databases (gnomAD no frequency). This sequence change replaces asparagine, which is neutral and polar, with lysine, which is basic and polar, at codon 54 of the CDKN1C protein (p.Asn54Lys). In summary, the available evidence is currently insufficient to determine the role of this variant in disease. Therefore, it has been classified as a Variant of Uncertain Significance. Algorithms developed to predict the effect of missense changes on protein structure and function are either unavailable or do not agree on the potential impact of this missense change (SIFT: "Tolerated"; PolyPhen-2: "Possibly Damaging"; Align-GVGD: "Class C0").